The following is an entry in ClinVar:

NM_016203.4(PRKAG2):c.1644G>A (p.Ser548=)

Gene: PRKAG2 (protein kinase AMP-activated non-catalytic subunit gamma 2; minus strand). Cytogenetic location: 7q36.1.
Variant type: single nucleotide variant.
Coding change: c.1644G>A on transcript NM_016203.4 (MANE Select); coding-DNA position 1644, G replaced by A.
Protein change: p.Ser548=; no amino-acid change (serine 548 retained).
Molecular consequence: synonymous variant.
Genome position (GRCh38, 1-based): chr7:151,560,558, C>T on the plus strand (G>A on the coding strand, the complement: PRKAG2 is on the minus strand). VCF-style: chr7-151560558-C-T. GRCh37 (hg19) VCF-style: chr7-151257644-C-T.
Other names: c.1512G>A, p.Ser504= (NM_001040633.2); c.1269G>A, p.Ser423= (NM_001304527.2); c.921G>A, p.Ser307= (NM_001304531.2, NM_024429.2); c.1272G>A, p.Ser424= (NM_001363698.2).
Identifiers: ClinVar variation 45703 (VCV000045703.25), dbSNP rs376450705, ClinGen allele CA013939.

ClinVar aggregate classification (germline): Benign/Likely benign. Review status: criteria provided, multiple submitters, no conflicts (2 of 4 stars). 8 submissions from 8 submitters: Benign (1); Likely benign (7). Last evaluated 2026-01-20.

Conditions:
PRKAG2-related disorder. Also called: PRKAG2-related disorders; PRKAG2-related condition.
Cardiovascular phenotype. Identifiers: MedGen CN230736.
Cardiomyopathy (CMYO). Also called: Cardiomyopathies. Identifiers: Orphanet 167848, MedGen C0878544, MONDO:0004994, HP:0001638. Inheritance: Various modes of inheritance.
Lethal congenital glycogen storage disease of heart. Also called: GLYCOGEN STORAGE DISEASE OF HEART; PHOSPHORYLASE KINASE DEFICIENCY OF HEART. Identifiers: Orphanet 439854, MedGen C1849813, MONDO:0009867, OMIM 261740.
Hypertrophic cardiomyopathy. Also called: HYPERTROPHIC MYOCARDIOPATHY. Identifiers: Orphanet 217569, MedGen C0007194, MeSH D002312, MONDO:0005045, HP:0001639.

Allele frequency attached by ClinVar (database versions not stated): TOPMed 0.00011; ESP Exome Variant Server 0.00015; gnomAD exomes 0.00004; ExAC 0.00005; gnomAD 0.00009.
gnomAD v4.1: 40 of 1,613,842 alleles (0.0025%); highest among the groups gnomAD compares: African/African-American, 0.027%; no homozygotes.

Submissions (8):

Labcorp Genetics (formerly Invitae), Labcorp
Classification: Likely benign for Lethal congenital glycogen storage disease of heart. Last evaluated: 2026-01-20. Review status: criteria provided, single submitter. Criteria: Invitae Variant Classification Sherloc (09022015). Collection method: clinical testing. Allele origin: germline.

PreventionGenetics, part of Exact Sciences
Classification: Likely benign for PRKAG2-related condition. Last evaluated: 2025-10-17. Review status: criteria provided, single submitter. Criteria: ACMG Guidelines, 2015. Collection method: clinical testing. Allele origin: germline.
Comment: This variant is classified as likely benign based on ACMG/AMP sequence variant interpretation guidelines (Richards et al. 2015 PMID: 25741868, with internal and published modifications).

Women's Health and Genetics/Laboratory Corporation of America, LabCorp
Classification: Benign. Last evaluated: 2024-12-06. Review status: criteria provided, single submitter. Criteria: LabCorp Variant Classification Summary - May 2015. Collection method: clinical testing. Allele origin: germline.

All of Us Research Program, National Institutes of Health
Classification: Likely benign for Hypertrophic cardiomyopathy. Last evaluated: 2024-02-05. Review status: criteria provided, single submitter. Criteria: ACMG Guidelines, 2015. Collection method: clinical testing. Allele origin: germline. Inheritance: Autosomal dominant inheritance. Observed: 7 variant alleles, 7 heterozygotes.
Comment: This study involves interpretation of variants in research participants for the purpose of population health screening. Participant phenotype was not available at the time of variant classification. Additional details can be found in publication PMID: 35346344, PMCID: PMC8962531

GeneDx
Classification: Likely benign. Last evaluated: 2021-06-10. Review status: criteria provided, single submitter. Criteria: GeneDx Variant Classification Process June 2021. Collection method: clinical testing. Allele origin: germline. Affected: yes.

Ambry Genetics
Classification: Likely benign for Cardiovascular phenotype. Last evaluated: 2020-02-26. Review status: criteria provided, single submitter. Criteria: Ambry Variant Classification Scheme 2023. Collection method: clinical testing. Allele origin: germline.

Color Diagnostics, LLC DBA Color Health
Classification: Likely benign for Cardiomyopathy. Last evaluated: 2019-05-15. Review status: criteria provided, single submitter. Criteria: ACMG Guidelines, 2015. Collection method: clinical testing. Allele origin: germline.

Laboratory for Molecular Medicine, Mass General Brigham Personalized Medicine
Classification: Likely benign. Last evaluated: 2012-03-19. Review status: criteria provided, single submitter. Criteria: LMM Criteria. Collection method: clinical testing. Allele origin: germline. Observed: 1 variant allele.
Comment: Ser548Ser in exon 15 of PRKAG2: This variant is not expected to have clinical si gnificance because it does not alter an amino acid residue and is not located wi thin the splice consensus sequence. It has been identified in 1/3738 African Ame rican chromosomes from a broad population by the NHLBI Exome Sequencing Project. Ser548Ser in exon 15 of PRKAG2 (allele freq uency = 1/3738) **